The following is an entry in ClinVar:

ClinVar aggregate classification (germline): Benign. Review status: criteria provided, multiple submitters, no conflicts (2 of 4 stars). 3 submissions from 3 submitters: Benign (3). Last evaluated 2026-02-01.

Allele frequency attached by ClinVar (database versions not stated): 1000 Genomes Project 30x 0.00094; 1000 Genomes Project 0.00100; gnomAD exomes 0.00122 and 0.00147; ESP Exome Variant Server 0.00133; TOPMed 0.00135; gnomAD 0.00137 and 0.00146; ExAC 0.00331.

Submissions (3):

Labcorp Genetics (formerly Invitae), Labcorp
Classification: Benign. Last evaluated: 2026-02-01. Review status: criteria provided, single submitter. Criteria: Invitae Variant Classification Sherloc (09022015). Collection method: clinical testing. Allele origin: germline.

GeneDx
Classification: Benign. Last evaluated: 2014-04-14. Review status: criteria provided, single submitter. Criteria: GeneDx Variant Classification (06012015). Collection method: clinical testing. Allele origin: germline. Affected: yes.
Comment: This variant is considered likely benign or benign based on one or more of the following criteria: it is a conservative change, it occurs at a poorly conserved position in the protein, it is predicted to be benign by multiple in silico algorithms, and/or has population frequency not consistent with disease.

Breakthrough Genomics
Classification: Benign. Review status: criteria provided, single submitter. Criteria: ACMG Guidelines, 2015. Collection method: not provided. Allele origin: germline. Inheritance: Autosomal recessive inheritance. Affected: yes.

NM_006886.4(ATP5F1E):c.32+15C>T

Genes: SLMO2-ATP5E (SLMO2-ATP5E readthrough; minus strand), ATP5F1E (ATP synthase F1 subunit epsilon; minus strand), LOC130066277 (ATAC-STARR-seq lymphoblastoid active region 18187; plus strand). Cytogenetic location: 20q13.32.
Variant type: single nucleotide variant.
Coding change: c.32+15C>T on transcript NM_006886.4 (MANE Select); 15 bases into the intron after coding-DNA position 32, C replaced by T.
Molecular consequence: intron variant.
Genome position (GRCh38, 1-based): chr20:59,032,205, G>A on the plus strand (C>T on the coding strand, the complement: ATP5F1E is on the minus strand). VCF-style: chr20-59032205-G-A. GRCh37 (hg19) VCF-style: chr20-57607260-G-A.
Identifiers: ClinVar variation 136462 (VCV000136462.10), dbSNP rs45545036, ClinGen allele CA289597.